The following is an entry in ClinVar:

ClinVar aggregate classification (germline): Uncertain significance. Review status: criteria provided, multiple submitters, no conflicts (2 of 4 stars). 2 submissions from 2 submitters: Uncertain significance (2). Last evaluated 2025-08-19.

Conditions:
Inborn genetic diseases. Identifiers: MedGen C0950123, MeSH D030342.
KBG syndrome (KBGS). Also called: ANKRD11-Related KBG Syndrome. Identifiers: Orphanet 2332, MedGen C0220687, MONDO:0007846, OMIM 148050.

Allele frequency attached by ClinVar (database versions not stated): gnomAD exomes below 0.00001; TOPMed below 0.00001; ExAC 0.00001; gnomAD 0.00001; 1000 Genomes Project 30x 0.00016; 1000 Genomes Project 0.00020.
gnomAD v4.1: 3 of 1,613,620 alleles (0.00019%); highest among the groups gnomAD compares: South Asian, 0.0011%; no homozygotes.

Submissions (2):

Ambry Genetics
Classification: Uncertain significance for Inborn genetic diseases. Last evaluated: 2025-08-19. Review status: criteria provided, single submitter. Criteria: Ambry Variant Classification Scheme 2023. Collection method: clinical testing. Allele origin: germline.

Labcorp Genetics (formerly Invitae), Labcorp
Classification: Uncertain significance for KBG syndrome. Last evaluated: 2023-05-28. Review status: criteria provided, single submitter. Criteria: Invitae Variant Classification Sherloc (09022015). Collection method: clinical testing. Allele origin: germline.
Comment: In summary, the available evidence is currently insufficient to determine the role of this variant in disease. Therefore, it has been classified as a Variant of Uncertain Significance. Advanced modeling of protein sequence and biophysical properties (such as structural, functional, and spatial information, amino acid conservation, physicochemical variation, residue mobility, and thermodynamic stability) performed at Invitae indicates that this missense variant is not expected to disrupt ANKRD11 protein function. ClinVar contains an entry for this variant (Variation ID: 2294300). This variant has not been reported in the literature in individuals affected with ANKRD11-related conditions. This variant is present in population databases (rs531520877, gnomAD 0.003%). This sequence change replaces glycine, which is neutral and non-polar, with arginine, which is basic and polar, at codon 470 of the ANKRD11 protein (p.Gly470Arg).

NM_013275.6(ANKRD11):c.1408G>A (p.Gly470Arg)

Gene: ANKRD11 (ankyrin repeat domain 11; minus strand). Cytogenetic location: 16q24.3.
Variant type: single nucleotide variant.
Coding change: c.1408G>A on transcript NM_013275.6 (MANE Select); coding-DNA position 1408, G replaced by A.
Protein change: p.Gly470Arg; replaces glycine 470 with arginine.
Molecular consequence: missense variant.
Genome position (GRCh38, 1-based): chr16:89,285,134, C>T on the plus strand (G>A on the coding strand, the complement: ANKRD11 is on the minus strand). VCF-style: chr16-89285134-C-T. GRCh37 (hg19) VCF-style: chr16-89351542-C-T.
Other names: c.1408G>A, p.Gly470Arg (NM_001256182.2, NM_001256183.2); short protein forms G470R.
Identifiers: ClinVar variation 2294300 (VCV002294300.6), dbSNP rs531520877, ClinGen allele CA8242784.